The following is an entry in ClinVar:

ClinVar aggregate classification (germline): Uncertain significance (1 of 4 stars; one submission).

Conditions:
Primary open angle glaucoma (POAG). Also called: OPTN-related open angle glaucoma. Identifiers: MedGen C0339573, MONDO:0100553, OMIM 137760.
Amyotrophic lateral sclerosis type 12 (ALS12). Also called: AMYOTROPHIC LATERAL SCLEROSIS 12 WITH OR WITHOUT FRONTOTEMPORAL DEMENTIA. Identifiers: Orphanet 803, MedGen C3150692, MONDO:0013264, OMIM 613435.
Glaucoma 1, open angle, E. Identifiers: MedGen C1842026, MONDO:0007665.

Submission:

Labcorp Genetics (formerly Invitae), Labcorp
Classification: Uncertain significance for Primary open angle glaucoma; Glaucoma 1, open angle, E; Amyotrophic lateral sclerosis type 12. Last evaluated: 2021-07-22. Review status: criteria provided, single submitter. Criteria: Invitae Variant Classification Sherloc (09022015). Collection method: clinical testing. Allele origin: germline.
Comment: In summary, the available evidence is currently insufficient to determine the role of this variant in disease. Therefore, it has been classified as a Variant of Uncertain Significance. Algorithms developed to predict the effect of missense changes on protein structure and function (SIFT, PolyPhen-2, Align-GVGD) all suggest that this variant is likely to be tolerated. This variant has not been reported in the literature in individuals affected with OPTN-related conditions. This variant is not present in population databases (ExAC no frequency). This sequence change replaces arginine with serine at codon 203 of the OPTN protein (p.Arg203Ser). The arginine residue is moderately conserved and there is a moderate physicochemical difference between arginine and serine.

NM_001008212.2(OPTN):c.609A>T (p.Arg203Ser)

Gene: OPTN (optineurin; plus strand). Cytogenetic location: 10p13.
Variant type: single nucleotide variant.
Coding change: c.609A>T on transcript NM_001008212.2 (MANE Select); coding-DNA position 609, A replaced by T.
Protein change: p.Arg203Ser; replaces arginine 203 with serine.
Molecular consequence: missense variant.
Genome position (GRCh38, 1-based): chr10:13,116,323, A>T. VCF-style: chr10-13116323-A-T. GRCh37 (hg19) VCF-style: chr10-13158323-A-T.
Other names: c.609A>T, p.Arg203Ser (NM_001008211.1, NM_001008213.1, NM_021980.4); short protein forms R203S.
Identifiers: ClinVar variation 1406952 (VCV001406952.8), dbSNP rs1833208430, ClinGen allele CA376028289.